The following is an entry in ClinVar:

NM_015459.5(ATL3):c.50A>G (p.Asp17Gly)

Gene: ATL3 (atlastin GTPase 3; minus strand). Cytogenetic location: 11q13.1.
Variant type: single nucleotide variant.
Coding change: c.50A>G on transcript NM_015459.5 (MANE Select); coding-DNA position 50, A replaced by G.
Protein change: p.Asp17Gly; replaces aspartic acid 17 with glycine.
Molecular consequence: missense variant. On other transcripts: 5 prime UTR variant (1).
Genome position (GRCh38, 1-based): chr11:63,659,249, T>C on the plus strand (A>G on the coding strand, the complement: ATL3 is on the minus strand). VCF-style: chr11-63659249-T-C. GRCh37 (hg19) VCF-style: chr11-63426721-T-C.
Other names: c.-5A>G (NM_001290048.2); short protein forms D17G.
Identifiers: ClinVar variation 3611544 (VCV003611544.2).

ClinVar aggregate classification (germline): Uncertain significance (1 of 4 stars; one submission).

Conditions:
Neuropathy, hereditary sensory, type 1F. Also called: Hereditary sensory neuropathy type IF; HSN IF. Identifiers: Orphanet 36386, MedGen C3810194, MONDO:0014286, OMIM 615632.

gnomAD v4.1: 2 of 1,613,478 alleles (0.00012%); highest among the groups gnomAD compares: Non-Finnish European, 0.000085%; no homozygotes.

Submission:

Labcorp Genetics (formerly Invitae), Labcorp
Classification: Uncertain significance for Neuropathy, hereditary sensory, type 1F. Last evaluated: 2025-10-02. Review status: criteria provided, single submitter. Criteria: Invitae Variant Classification Sherloc (09022015). Collection method: clinical testing. Allele origin: germline.
Comment: This sequence change replaces aspartic acid, which is acidic and polar, with glycine, which is neutral and non-polar, at codon 17 of the ATL3 protein (p.Asp17Gly). This variant is not present in population databases (gnomAD no frequency). This variant has not been reported in the literature in individuals affected with ATL3-related conditions. ClinVar contains an entry for this variant (Variation ID: 3611544). An algorithm developed to predict the effect of missense changes on protein structure and function (PolyPhen-2) suggests that this variant is likely to be tolerated. In summary, the available evidence is currently insufficient to determine the role of this variant in disease. Therefore, it has been classified as a Variant of Uncertain Significance.